The following is an entry in ClinVar:

ClinVar aggregate classification (germline): Likely benign (1 of 4 stars; one submission).

Conditions:
Multicentric osteolysis nodulosis arthropathy spectrum. Identifiers: Orphanet 3460, Orphanet 371428, MedGen C1850155, MONDO:0018298.

Allele frequency attached by ClinVar (database versions not stated): gnomAD 0.00154 and 0.00158; gnomAD exomes 0.00186; 1000 Genomes Project 0.00220; 1000 Genomes Project 30x 0.00265; TOPMed 0.00321.
gnomAD v4.1: 307 of 189,350 alleles (0.16%); highest among the groups gnomAD compares: Admixed American, 1.5%; 1 homozygote.

Submission:

Illumina Laboratory Services, Illumina
Classification: Likely benign for Multicentric osteolysis, nodulosis, and arthropathy. Last evaluated: 2018-01-13. Review status: criteria provided, single submitter. Criteria: ICSL Variant Classification Criteria 13 December 2019. Collection method: clinical testing. Allele origin: germline.
Comment: This variant was observed in the ICSL laboratory as part of a predisposition screen in an ostensibly healthy population. It had not been previously curated by ICSL or reported in the Human Gene Mutation Database (HGMD: prior to June 1st, 2018), and was therefore a candidate for classification through an automated scoring system. Utilizing variant allele frequency, disease prevalence and penetrance estimates, and inheritance mode, an automated score was calculated to assess if this variant is too frequent to cause the disease. Based on the score and internal cut-off values, a variant classified as likely benign is not then subjected to further curation. The score for this variant resulted in a classification of likely benign for this disease.

NM_004530.6(MMP2):c.*453C>G

Gene: MMP2 (matrix metallopeptidase 2; plus strand). Cytogenetic location: 16q12.2.
Variant type: single nucleotide variant.
Coding change: c.*453C>G on transcript NM_004530.6 (MANE Select); 453 bases downstream of the stop codon, C replaced by G.
Molecular consequence: 3 prime UTR variant.
Genome position (GRCh38, 1-based): chr16:55,505,895, C>G. VCF-style: chr16-55505895-C-G. GRCh37 (hg19) VCF-style: chr16-55539807-C-G.
Other names: c.*453C>G (NM_001127891.3, NM_001302508.1, NM_001302509.2 and 1 more transcripts).
Identifiers: ClinVar variation 319778 (VCV000319778.5), dbSNP rs562314074, ClinGen allele CA10643838.